The following is an entry in ClinVar:

ClinVar aggregate classification (germline): Conflicting classifications of pathogenicity. Review status: criteria provided, conflicting classifications (1 of 4 stars). 4 submissions from 4 submitters: Uncertain significance (1); Likely benign (3). Last evaluated 2025-10-07.

Conditions:
Developmental and epileptic encephalopathy, 36 (DEE36). Also called: Congenital disorder of glycosylation, type Is; Epileptic encephalopathy, early infantile, 36; ALG13-CDG. Identifiers: Orphanet 324422, MedGen C4317295, MONDO:0010472, OMIM 300884.

Submissions (4):

Labcorp Genetics (formerly Invitae), Labcorp
Classification: Likely benign for Developmental and epileptic encephalopathy, 36. Last evaluated: 2025-10-07. Review status: criteria provided, single submitter. Criteria: Invitae Variant Classification Sherloc (09022015). Collection method: clinical testing. Allele origin: germline.

Blueprint Genetics
Classification: Likely benign. Last evaluated: 2024-08-07. Review status: criteria provided, single submitter. Criteria: ACMG Guidelines, 2015. Collection method: clinical testing. Allele origin: germline.

Mayo Clinic Laboratories, Mayo Clinic
Classification: Uncertain significance. Last evaluated: 2022-10-07. Review status: criteria provided, single submitter. Criteria: ACMG Guidelines, 2015. Collection method: clinical testing. Allele origin: germline. Observed: 1 variant allele.
Comment: BP3

GeneDx
Classification: Likely benign. Last evaluated: 2017-09-21. Review status: criteria provided, single submitter. Criteria: GeneDx Variant Classification (06012015). Collection method: clinical testing. Allele origin: germline. Affected: yes.
Comment: This variant is considered likely benign or benign based on one or more of the following criteria: it is a conservative change, it occurs at a poorly conserved position in the protein, it is predicted to be benign by multiple in silico algorithms, and/or has population frequency not consistent with disease.

NM_001099922.3(ALG13):c.2754ACC[11] (p.Pro942_Pro945del)

Gene: ALG13 (ALG13 UDP-N-acetylglucosaminyltransferase subunit; plus strand). Cytogenetic location: Xq23.
Variant type: Microsatellite.
Coding change: c.2754ACC[11] on transcript NM_001099922.3 (MANE Select); 11 copies in a row of the 3-base unit ACC starting at c.2754; the reference has 15 copies in a row; four copies, 12 bases deleted; also written c.2787_2798del.
Protein change: p.Pro942_Pro945del.
Molecular consequence: inframe deletion. On other transcripts: intron variant (5).
Genome position (GRCh38, 1-based): chrX:111,744,759-111,744,770, ACCACCACCACC deleted; deleting any 12 consecutive bases within chrX:111,744,726-111,744,770 gives the same sequence; the position shown is the placement nearest the transcript's 3' end. VCF-style (leftmost placement, unchanged base first): chrX-111744725-TACCACCACCACC-T. GRCh37 (hg19) VCF-style: chrX-110987953-TACCACCACCACC-T.
Other names: p.Pro942_Pro945del; c.2520ACC[11], p.Pro864_Pro867del (NM_001257231.2); c.2383+7847ACC[11] (NM_001257237.2, NM_001257234.2, NM_001257230.2); c.2209+7847ACC[11] (NM_001324293.1); c.2695+7847ACC[11] (NM_001324292.2); c.2787_2798del (NM_001099922.2, NM_001099922.3).
Identifiers: ClinVar variation 420511 (VCV000420511.13), dbSNP rs750710267, ClinGen allele CA16621183.